The following is an entry in ClinVar:

NM_000051.4(ATM):c.1073del (p.Asn358fs)

Gene: ATM (ATM serine/threonine kinase; plus strand). Cytogenetic location: 11q22.3.
Variant type: Deletion.
Coding change: c.1073del on transcript NM_000051.4 (MANE Select); coding-DNA position 1073, one base deleted (A; older notation c.1073delA).
Protein change: p.Asn358fs; shifts the reading frame from asparagine 358.
Molecular consequence: frameshift variant.
Genome position (GRCh38, 1-based): chr11:108,248,940, A deleted; the last of 2 consecutive A bases (chr11:108,248,939-108,248,940); deleting either gives the same sequence. VCF-style (leftmost placement, unchanged base first): chr11-108248938-TA-T. GRCh37 (hg19) VCF-style: chr11-108119665-TA-T.
Other names: c.1073del, p.Asn358fs (NM_001351834.2); short protein forms N358fs.
Identifiers: ClinVar variation 3148602 (VCV003148602.1), dbSNP rs1591517182, ClinGen allele CA2825001767.

ClinVar aggregate classification (germline): Pathogenic (1 of 4 stars; one submission).

Conditions:
Familial cancer of breast. Also called: BREAST CANCER, FAMILIAL; Hereditary breast cancer; hereditary breast carcinoma. Identifiers: Orphanet 227535, MedGen C0346153, MONDO:0016419, OMIM 114480. Disease mechanism: loss of function.

Submission:

Myriad Genetics, Inc.
Classification: Pathogenic for Familial cancer of breast. Last evaluated: 2024-01-12. Review status: criteria provided, single submitter. Criteria: Myriad Autosomal Dominant, Autosomal Recessive and X-Linked Classification Criteria (2023). Collection method: clinical testing. Allele origin: unknown.
Comment: This variant is considered pathogenic. This variant creates a frameshift predicted to result in premature protein truncation.